The following is an entry in ClinVar:

ClinVar aggregate classification (germline): Conflicting classifications of pathogenicity. Review status: criteria provided, conflicting classifications (1 of 4 stars). 3 submissions from 3 submitters: Uncertain significance (2); Benign (1). Last evaluated 2025-10-22.

Conditions:
Inborn genetic diseases. Identifiers: MedGen C0950123, MeSH D030342.

Allele frequency attached by ClinVar (database versions not stated): gnomAD 0.00004 and 0.00008; TOPMed 0.00004; ESP Exome Variant Server 0.00008; gnomAD exomes 0.00010 and 0.00018; ExAC 0.00019; 1000 Genomes Project 30x 0.00047; 1000 Genomes Project 0.00060.
gnomAD v4.1: 159 of 1,614,096 alleles (0.0099%); highest among the groups gnomAD compares: East Asian, 0.2%; 1 homozygote.

Submissions (3):

Ambry Genetics
Classification: Uncertain significance for Inborn genetic diseases. Last evaluated: 2025-10-22. Review status: criteria provided, single submitter. Criteria: Ambry Variant Classification Scheme 2023. Collection method: clinical testing. Allele origin: germline.

Blueprint Genetics
Classification: Benign. Last evaluated: 2023-08-23. Review status: criteria provided, single submitter. Criteria: ACMG Guidelines, 2015. Collection method: clinical testing. Allele origin: germline.

Labcorp Genetics (formerly Invitae), Labcorp
Classification: Uncertain significance. Last evaluated: 2022-07-12. Review status: criteria provided, single submitter. Criteria: Invitae Variant Classification Sherloc (09022015). Collection method: clinical testing. Allele origin: germline.
Comment: In summary, the available evidence is currently insufficient to determine the role of this variant in disease. Therefore, it has been classified as a Variant of Uncertain Significance. Algorithms developed to predict the effect of missense changes on protein structure and function (SIFT, PolyPhen-2, Align-GVGD) all suggest that this variant is likely to be tolerated. ClinVar contains an entry for this variant (Variation ID: 1388066). This variant has not been reported in the literature in individuals affected with LAMA1-related conditions. This variant is present in population databases (rs202172989, gnomAD 0.1%). This sequence change replaces arginine, which is basic and polar, with histidine, which is basic and polar, at codon 1523 of the LAMA1 protein (p.Arg1523His).

NM_005559.4(LAMA1):c.4568G>A (p.Arg1523His)

Gene: LAMA1 (laminin subunit alpha 1; minus strand). Cytogenetic location: 18p11.31.
Variant type: single nucleotide variant.
Coding change: c.4568G>A on transcript NM_005559.4 (MANE Select); coding-DNA position 4568, G replaced by A.
Protein change: p.Arg1523His; replaces arginine 1523 with histidine.
Molecular consequence: missense variant.
Genome position (GRCh38, 1-based): chr18:6,999,540, C>T on the plus strand (G>A on the coding strand, the complement: LAMA1 is on the minus strand). VCF-style: chr18-6999540-C-T. GRCh37 (hg19) VCF-style: chr18-6999539-C-T.
Other names: c.4568G>A (NM_005559.3); short protein forms R1523H.
Identifiers: ClinVar variation 1388066 (VCV001388066.6), dbSNP rs202172989, ClinGen allele CA8881880.